The following is an entry in ClinVar:

ClinVar aggregate classification (germline): Conflicting classifications of pathogenicity. Review status: criteria provided, conflicting classifications (1 of 4 stars). 3 submissions from 3 submitters: Uncertain significance (1); Likely benign (1). 1 of the submissions does not count toward it. Last evaluated 2026-01-08.

Conditions:
COL6A2-related disorder.
Bethlem myopathy 1A. Also called: Bethlem myopathy 1; MYOPATHY, BENIGN CONGENITAL, WITH CONTRACTURES; Bethlem Muscular Dystrophy. Identifiers: Orphanet 610, MedGen CN029274, MONDO:0024530, OMIM 158810.

Allele frequency attached by ClinVar (database versions not stated): gnomAD 0.00004; gnomAD exomes 0.00008 and 0.00015; ExAC 0.00010; TOPMed 0.00015; 1000 Genomes Project 30x 0.00016; 1000 Genomes Project 0.00020.
gnomAD v4.1: 52 of 1,613,628 alleles (0.0032%); highest among the groups gnomAD compares: Admixed American, 0.078%; 1 homozygote.

Submissions (3):

Labcorp Genetics (formerly Invitae), Labcorp
Classification: Likely benign for Bethlem myopathy 1A. Last evaluated: 2026-01-08. Review status: criteria provided, single submitter. Criteria: Invitae Variant Classification Sherloc (09022015). Collection method: clinical testing. Allele origin: germline.

Eurofins Ntd Llc (ga)
Classification: Uncertain significance. Last evaluated: 2017-06-16. Review status: criteria provided, single submitter. Criteria: EGL Classification Definitions 2015. Collection method: clinical testing. Allele origin: germline. Observed: 2 variant alleles, 2 heterozygotes.

PreventionGenetics, part of Exact Sciences
Classification: Likely benign for COL6A2-related condition. Last evaluated: 2019-05-01. Review status: no assertion criteria provided. Collection method: clinical testing. Allele origin: germline. Not counted in ClinVar's aggregate classification.
Comment: This variant is classified as likely benign based on ACMG/AMP sequence variant interpretation guidelines (Richards et al. 2015 PMID: 25741868, with internal and published modifications).

NM_001849.4(COL6A2):c.735+7G>A

Gene: COL6A2 (collagen type VI alpha 2 chain; plus strand). Cytogenetic location: 21q22.3.
Variant type: single nucleotide variant.
Coding change: c.735+7G>A on transcript NM_001849.4 (MANE Select); 7 bases into the intron after coding-DNA position 735, G replaced by A.
Molecular consequence: intron variant.
Genome position (GRCh38, 1-based): chr21:46,112,831, G>A. VCF-style: chr21-46112831-G-A. GRCh37 (hg19) VCF-style: chr21-47532745-G-A.
Other names: c.735+7G>A (NM_058175.3, NM_058174.3).
Identifiers: ClinVar variation 287953 (VCV000287953.15), dbSNP rs575365107, ClinGen allele CA10071423.